The following is an entry in ClinVar:

NM_019066.5(MAGEL2):c.281C>T (p.Pro94Leu)

Gene: MAGEL2 (MAGE family member L2; minus strand). Cytogenetic location: 15q11.2.
Variant type: single nucleotide variant.
Coding change: c.281C>T on transcript NM_019066.5 (MANE Select); coding-DNA position 281, C replaced by T.
Protein change: p.Pro94Leu; replaces proline 94 with leucine.
Molecular consequence: missense variant.
Genome position (GRCh38, 1-based): chr15:23,647,462, G>A on the plus strand (C>T on the coding strand, the complement: MAGEL2 is on the minus strand). VCF-style: chr15-23647462-G-A. GRCh37 (hg19) VCF-style: chr15-23892609-G-A.
Other names: short protein forms P94L.
Identifiers: ClinVar variation 3542158 (VCV003542158.2).

ClinVar aggregate classification (germline): Uncertain significance. Review status: criteria provided, multiple submitters, no conflicts (2 of 4 stars). 2 submissions from 2 submitters: Uncertain significance (2). Last evaluated 2025-05-31.

Conditions:
Inborn genetic diseases. Identifiers: MedGen C0950123, MeSH D030342.
MAGEL2-related disorder. Also called: MAGEL2-related condition.

Submissions (2):

PreventionGenetics, part of Exact Sciences
Classification: Uncertain significance for MAGEL2-related condition. Last evaluated: 2025-05-31. Review status: criteria provided, single submitter. Criteria: ACMG Guidelines, 2015. Collection method: clinical testing. Allele origin: germline.
Comment: The MAGEL2 c.281C>T variant is predicted to result in the amino acid substitution p.Pro94Leu. To our knowledge, this variant has not been reported in the literature. This variant is reported in 0.0045% of alleles in individuals of South Asian descent in gnomAD. At this time, the clinical significance of this variant is uncertain due to the absence of conclusive functional and genetic evidence.

Ambry Genetics
Classification: Uncertain significance for Inborn genetic diseases. Last evaluated: 2024-06-25. Review status: criteria provided, single submitter. Criteria: Ambry Variant Classification Scheme 2023. Collection method: clinical testing. Allele origin: germline.